The following is an entry in ClinVar:

NM_002109.6(HARS1):c.630+6A>G

Gene: HARS1 (histidyl-tRNA synthetase 1; minus strand). Cytogenetic location: 5q31.3.
Variant type: single nucleotide variant.
Coding change: c.630+6A>G on transcript NM_002109.6 (MANE Select); 6 bases into the intron after coding-DNA position 630, A replaced by G.
Molecular consequence: intron variant.
Genome position (GRCh38, 1-based): chr5:140,677,902, T>C on the plus strand (A>G on the coding strand, the complement: HARS1 is on the minus strand). VCF-style: chr5-140677902-T-C. GRCh37 (hg19) VCF-style: chr5-140057487-T-C.
Other names: c.543+6A>G (NM_001289094.2); c.288+6A>G (NM_001289093.2); c.450+6A>G (NM_001258042.3); c.510+6A>G (NM_001258040.3); c.408+6A>G (NM_001289092.2); c.570+6A>G (NM_001258041.3).
Identifiers: ClinVar variation 2143725 (VCV002143725.4), dbSNP rs2481258344, ClinGen allele CA2536342279.

ClinVar aggregate classification (germline): Uncertain significance (1 of 4 stars; one submission).

Conditions:
Usher syndrome type 3B. Also called: USHER SYNDROME, TYPE IIIB. Identifiers: MedGen C3281066, MONDO:0013788, OMIM 614504.

Allele frequency attached by ClinVar (database versions not stated): gnomAD exomes 0.00003.
gnomAD v4.1: 37 of 1,588,786 alleles (0.0023%); highest among the groups gnomAD compares: Non-Finnish European, 0.0031%; no homozygotes.

Submission:

Labcorp Genetics (formerly Invitae), Labcorp
Classification: Uncertain significance for Usher syndrome type 3B. Last evaluated: 2026-02-02. Review status: criteria provided, single submitter. Criteria: Invitae Variant Classification Sherloc (09022015). Collection method: clinical testing. Allele origin: germline.
Comment: This sequence change falls in intron 6 of the HARS gene. It does not directly change the encoded amino acid sequence of the HARS protein. It affects a nucleotide within the consensus splice site. This variant is not present in population databases (gnomAD no frequency). This variant has been observed in individual(s) with clinical features of autosomal dominant HARS-related conditions (internal data). ClinVar contains an entry for this variant (Variation ID: 2143725). Variants that disrupt the consensus splice site are a relatively common cause of aberrant splicing (PMID: 17576681, 9536098). Algorithms developed to predict the effect of sequence changes on RNA splicing suggest that this variant is not likely to affect RNA splicing. In summary, the available evidence is currently insufficient to determine the role of this variant in disease. Therefore, it has been classified as a Variant of Uncertain Significance.

Literature cited by the submitters: PubMed 17576681; PubMed 9536098.